The following is an entry in ClinVar:

NM_001397406.1(FDX2):c.201-17C>A

Genes: FDX2-ZGLP1 (FDX2-ZGLP1 readthrough; minus strand), FDX2 (ferredoxin 2; minus strand). Cytogenetic location: 19p13.2.
Variant type: single nucleotide variant.
Coding change: c.201-17C>A on transcript NM_001397406.1 (MANE Select); 17 bases into the intron before coding-DNA position 201, C replaced by A.
Molecular consequence: intron variant. On other transcripts: non-coding transcript variant (1).
Genome position (GRCh38, 1-based): chr19:10,315,509, G>T on the plus strand (C>A on the coding strand, the complement: FDX2 is on the minus strand). VCF-style: chr19-10315509-G-T. GRCh37 (hg19) VCF-style: chr19-10426185-G-T.
Identifiers: ClinVar variation 668503 (VCV000668503.2), dbSNP rs767328575, ClinGen allele CA9191284.

ClinVar aggregate classification (germline): Likely benign (1 of 4 stars; one submission).

Allele frequency attached by ClinVar (database versions not stated): gnomAD 0.00001; TOPMed 0.00002.
gnomAD v4.1: 11 of 1,611,710 alleles (0.00068%); highest among the groups gnomAD compares: Non-Finnish European, 0.00085%; no homozygotes.

Submission:

GeneDx
Classification: Likely benign. Last evaluated: 2018-06-11. Review status: criteria provided, single submitter. Criteria: GeneDx Variant Classification (06012015). Collection method: clinical testing. Allele origin: germline. Affected: yes.
Comment: This variant is considered likely benign or benign based on one or more of the following criteria: it is a conservative change, it occurs at a poorly conserved position in the protein, it is predicted to be benign by multiple in silico algorithms, and/or has population frequency not consistent with disease.